The following is an entry in ClinVar:

NM_006379.5(SEMA3C):c.2138G>A (p.Arg713Gln)

Gene: SEMA3C (semaphorin 3C; minus strand). Cytogenetic location: 7q21.11.
Variant type: single nucleotide variant.
Coding change: c.2138G>A on transcript NM_006379.5 (MANE Select); coding-DNA position 2138, G replaced by A.
Protein change: p.Arg713Gln; replaces arginine 713 with glutamine.
Molecular consequence: missense variant.
Genome position (GRCh38, 1-based): chr7:80,745,012, C>T on the plus strand (G>A on the coding strand, the complement: SEMA3C is on the minus strand). VCF-style: chr7-80745012-C-T. GRCh37 (hg19) VCF-style: chr7-80374328-C-T.
Other names: c.2192G>A, p.Arg731Gln (NM_001350120.2); c.1964G>A, p.Arg655Gln (NM_001350121.2); short protein forms R655Q, R713Q, R731Q.
Identifiers: ClinVar variation 2629299 (VCV002629299.2), dbSNP rs536937172, ClinGen allele CA4315905.

ClinVar aggregate classification (germline): Uncertain significance (1 of 4 stars; one submission).

Conditions:
SEMA3C-related disorder. Also called: SEMA3C-related condition.

Allele frequency attached by ClinVar (database versions not stated): gnomAD 0.00003; TOPMed 0.00003.
gnomAD v4.1: 34 of 1,614,038 alleles (0.0021%); highest among the groups gnomAD compares: Admixed American, 0.025%; 1 homozygote.

Submission:

PreventionGenetics, part of Exact Sciences
Classification: Uncertain significance for SEMA3C-related condition. Last evaluated: 2024-11-04. Review status: criteria provided, single submitter. Criteria: ACMG Guidelines, 2015. Collection method: clinical testing. Allele origin: germline.
Comment: The SEMA3C c.2192G>A variant is predicted to result in the amino acid substitution p.Arg731Gln. To our knowledge, this variant has not been reported in the literature. This variant is reported in 0.042% of alleles in individuals of Latino descent in gnomAD, including one homozygous individual. At this time, the clinical significance of this variant is uncertain due to the absence of conclusive functional and genetic evidence.